The following is an entry in ClinVar:

ClinVar aggregate classification (germline): Uncertain significance (1 of 4 stars; one submission).

Conditions:
Myofibrillar myopathy 5. Also called: FILAMINOPATHY, AUTOSOMAL DOMINANT; Filaminopathy (type). Identifiers: Orphanet 171445, MedGen C1836050, MONDO:0012289, OMIM 609524.
Distal myopathy with posterior leg and anterior hand involvement. Also called: WILLIAMS DISTAL MYOPATHY. Identifiers: Orphanet 63273, MedGen C3279722, MONDO:0013550, OMIM 614065.
Hypertrophic cardiomyopathy 26. Also called: Cardiomyopathy, familial hypertrophic, 26. Identifiers: Orphanet 75249, MedGen C4310749, MONDO:0014883, OMIM 617047.

Allele frequency attached by ClinVar (database versions not stated): ExAC 0.00001.

Submission:

Labcorp Genetics (formerly Invitae), Labcorp
Classification: Uncertain significance for Distal myopathy with posterior leg and anterior hand involvement; Myofibrillar myopathy 5; Hypertrophic cardiomyopathy 26. Last evaluated: 2022-07-18. Review status: criteria provided, single submitter. Criteria: Invitae Variant Classification Sherloc (09022015). Collection method: clinical testing. Allele origin: germline.
Comment: In summary, the available evidence is currently insufficient to determine the role of this variant in disease. Therefore, it has been classified as a Variant of Uncertain Significance. Algorithms developed to predict the effect of missense changes on protein structure and function are either unavailable or do not agree on the potential impact of this missense change (SIFT: "Deleterious"; PolyPhen-2: "Probably Damaging"; Align-GVGD: "Class C0"). ClinVar contains an entry for this variant (Variation ID: 1364740). This variant has not been reported in the literature in individuals affected with FLNC-related conditions. This variant is not present in population databases (gnomAD no frequency). This sequence change replaces proline, which is neutral and non-polar, with alanine, which is neutral and non-polar, at codon 1059 of the FLNC protein (p.Pro1059Ala).

NM_001458.5(FLNC):c.3175C>G (p.Pro1059Ala)

Gene: FLNC (filamin C; plus strand). Cytogenetic location: 7q32.1.
Variant type: single nucleotide variant.
Coding change: c.3175C>G on transcript NM_001458.5 (MANE Select); coding-DNA position 3175, C replaced by G.
Protein change: p.Pro1059Ala; replaces proline 1059 with alanine.
Molecular consequence: missense variant.
Genome position (GRCh38, 1-based): chr7:128,844,249, C>G. VCF-style: chr7-128844249-C-G. GRCh37 (hg19) VCF-style: chr7-128484303-C-G.
Other names: c.3175C>G, p.Pro1059Ala (NM_001127487.2); short protein forms P1059A.
Identifiers: ClinVar variation 1364740 (VCV001364740.8), dbSNP rs767119310, ClinGen allele CA4474974.
Genomic context (GRCh38, chr7:128,844,249, plus strand): 5'-GATATCACCTACGATGGTCACCCGGTGCCTGGCAGCCCGTTTGCTGTGGAGGGTGTCCTG[C>G]CCCCTGATCCCTCCAAGGTGAGGAGATAGGAGCTGGTTGGGGCTGGGAGTTGGGGACTTG-3'
Protein context (NP_001449.3, residues 1049-1069): GSPFAVEGVL[Pro1059Ala]PDPSKVCAYG